The following is an entry in ClinVar:

NM_213595.4(ISCU):c.165A>G (p.Thr55=)

Gene: ISCU (iron-sulfur cluster assembly enzyme; plus strand). Cytogenetic location: 12q23.3.
Variant type: single nucleotide variant.
Coding change: c.165A>G on transcript NM_213595.4 (MANE Select); coding-DNA position 165, A replaced by G.
Protein change: p.Thr55=; no amino-acid change (threonine 55 retained).
Molecular consequence: synonymous variant. On other transcripts: non-coding transcript variant (1).
Genome position (GRCh38, 1-based): chr12:108,564,329, A>G. VCF-style: chr12-108564329-A-G. GRCh37 (hg19) VCF-style: chr12-108958105-A-G.
Other names: c.165A>G, p.Thr55= (NM_001301140.1, NM_001301141.1, NM_001320042.1); c.90A>G, p.Thr30= (NM_014301.4).
Identifiers: ClinVar variation 385404 (VCV000385404.8), dbSNP rs950571558, ClinGen allele CA16606060.

ClinVar aggregate classification (germline): Likely benign. Review status: criteria provided, multiple submitters, no conflicts (2 of 4 stars). 2 submissions from 2 submitters: Likely benign (2). Last evaluated 2025-12-02.

Allele frequency attached by ClinVar (database versions not stated): gnomAD exomes below 0.00001; gnomAD 0.00001; TOPMed 0.00003.
gnomAD v4.1: 6 of 1,614,116 alleles (0.00037%); highest among the groups gnomAD compares: Admixed American, 0.0033%; no homozygotes.

Submissions (2):

Labcorp Genetics (formerly Invitae), Labcorp
Classification: Likely benign. Last evaluated: 2025-12-02. Review status: criteria provided, single submitter. Criteria: Invitae Variant Classification Sherloc (09022015). Collection method: clinical testing. Allele origin: germline.

GeneDx
Classification: Likely benign. Last evaluated: 2016-05-05. Review status: criteria provided, single submitter. Criteria: GeneDx Variant Classification (06012015). Collection method: clinical testing. Allele origin: germline. Affected: yes.
Comment: This variant is considered likely benign or benign based on one or more of the following criteria: it is a conservative change, it occurs at a poorly conserved position in the protein, it is predicted to be benign by multiple in silico algorithms, and/or has population frequency not consistent with disease.